The following is an entry in ClinVar:

ClinVar aggregate classification (germline): Uncertain significance (1 of 4 stars; one submission).

Conditions:
Combined immunodeficiency due to LRBA deficiency. Also called: Common variable immunodeficiency 8, with autoimmunity. Identifiers: Orphanet 445018, MedGen C3553512, MONDO:0013863, OMIM 614700.

Allele frequency attached by ClinVar (database versions not stated): gnomAD 0.00001; TOPMed 0.00001.
gnomAD v4.1: 5 of 1,612,802 alleles (0.00031%); highest among the groups gnomAD compares: Non-Finnish European, 0.00042%; no homozygotes.

Submission:

Labcorp Genetics (formerly Invitae), Labcorp
Classification: Uncertain significance for Combined immunodeficiency due to LRBA deficiency. Last evaluated: 2022-05-03. Review status: criteria provided, single submitter. Criteria: Invitae Variant Classification Sherloc (09022015). Collection method: clinical testing. Allele origin: germline.
Comment: This sequence change replaces glutamine, which is neutral and polar, with arginine, which is basic and polar, at codon 516 of the LRBA protein (p.Gln516Arg). This variant is not present in population databases (gnomAD no frequency). This variant has not been reported in the literature in individuals affected with LRBA-related conditions. Algorithms developed to predict the effect of missense changes on protein structure and function are either unavailable or do not agree on the potential impact of this missense change (SIFT: "Tolerated"; PolyPhen-2: "Probably Damaging"; Align-GVGD: "Class C0"). In summary, the available evidence is currently insufficient to determine the role of this variant in disease. Therefore, it has been classified as a Variant of Uncertain Significance.

NM_001364905.1(LRBA):c.1547A>G (p.Gln516Arg)

Gene: LRBA (LPS responsive beige-like anchor protein; minus strand). Cytogenetic location: 4q31.3.
Variant type: single nucleotide variant.
Coding change: c.1547A>G on transcript NM_001364905.1 (MANE Select); coding-DNA position 1547, A replaced by G.
Protein change: p.Gln516Arg; replaces glutamine 516 with arginine.
Molecular consequence: missense variant.
Genome position (GRCh38, 1-based): chr4:150,906,352, T>C on the plus strand (A>G on the coding strand, the complement: LRBA is on the minus strand). VCF-style: chr4-150906352-T-C. GRCh37 (hg19) VCF-style: chr4-151827504-T-C.
Other names: c.1547A>G, p.Gln516Arg (NM_001199282.3, NM_001367550.1, NM_006726.5); short protein forms Q516R.
Identifiers: ClinVar variation 2146164 (VCV002146164.1), dbSNP rs1354448409, ClinGen allele CA358431799.